The following is an entry in ClinVar:

NM_001148.6(ANK2):c.7258G>A (p.Val2420Ile)

Genes: ANK2 (ankyrin 2; plus strand), LOC126807137 (CDK7 strongly-dependent group 2 enhancer GRCh37_chr4:114276560-114277759; plus strand). Cytogenetic location: 4q26.
Variant type: single nucleotide variant.
Coding change: c.7258G>A on transcript NM_001148.6 (MANE Select); coding-DNA position 7258, G replaced by A.
Protein change: p.Val2420Ile; replaces valine 2420 with isoleucine.
Molecular consequence: missense variant. On other transcripts: intron variant (68).
Genome position (GRCh38, 1-based): chr4:113,355,876, G>A. VCF-style: chr4-113355876-G-A. GRCh37 (hg19) VCF-style: chr4-114277032-G-A.
Other names: c.4364-4947G>A (NM_001386143.1, NM_001354243.2, NM_001354255.2); c.4265-4947G>A (NM_001354262.2, NM_001354275.2, NM_001354245.2); c.4202-4947G>A (NM_001354253.2, NM_001354270.2); c.4166-4947G>A (NM_001354257.2, NM_001386156.1); c.4241-4947G>A (NM_001354249.2, NM_001354266.2, NM_001354276.2 and 2 more transcripts); c.4208-4947G>A (NM_001386146.1, NM_001386150.1, NM_001386149.1 and 1 more transcripts); c.4193-4947G>A (NM_001354274.2, NM_001386154.1); c.4142-4947G>A (NM_001386151.1, NM_001354260.2, NM_001354271.2); and 35 more; short protein forms V2420I, V2459I, V1220I, V2342I, V2467I.
Identifiers: ClinVar variation 4613602 (VCV004613602.2).

ClinVar aggregate classification (germline): Uncertain significance. Review status: criteria provided, multiple submitters, no conflicts (2 of 4 stars). 2 submissions from 2 submitters: Uncertain significance (2). Last evaluated 2025-11-24.

Conditions:
Cardiovascular phenotype. Identifiers: MedGen CN230736.

gnomAD v4.1: 1 of 1,614,080 alleles (0.000062%); highest among the groups gnomAD compares: Non-Finnish European, 0.000085%; no homozygotes.

Submissions (2):

Ambry Genetics
Classification: Uncertain significance for Cardiovascular phenotype. Last evaluated: 2025-11-24. Review status: criteria provided, single submitter. Criteria: Ambry Variant Classification Scheme 2023. Collection method: clinical testing. Allele origin: germline.

GeneDx
Classification: Uncertain significance. Last evaluated: 2025-08-15. Review status: criteria provided, single submitter. Criteria: GeneDx Variant Classification Process June 2021. Collection method: clinical testing. Allele origin: germline. Affected: yes.
Comment: Not observed at significant frequency in large population cohorts (gnomAD); In silico analysis suggests that this missense variant does not alter protein structure/function; Located in exon 38, which is reported as being expressed in a brain-specific transcript (PMID: 1830053, 18790697, 26109584); Has not been previously published as pathogenic or benign to our knowledge; This variant is associated with the following publications: (PMID: 1830053, 18790697, 26109584)